The following is an entry in ClinVar:

NM_003001.5(SDHC):c.408G>A (p.Met136Ile)

Gene: SDHC (succinate dehydrogenase complex subunit C; plus strand). Cytogenetic location: 1q23.3.
Variant type: single nucleotide variant.
Coding change: c.408G>A on transcript NM_003001.5 (MANE Select); coding-DNA position 408, G replaced by A.
Protein change: p.Met136Ile; replaces methionine 136 with isoleucine.
Molecular consequence: missense variant. On other transcripts: non-coding transcript variant (1).
Genome position (GRCh38, 1-based): chr1:161,362,331, G>A. VCF-style: chr1-161362331-G-A. GRCh37 (hg19) VCF-style: chr1-161332121-G-A.
Other names: c.244G>A, p.Val82Met (NM_001035511.3); c.306G>A, p.Met102Ile (NM_001035512.3); c.249G>A, p.Met83Ile (NM_001035513.3); c.142G>A, p.Val48Met (NM_001278172.3); c.528G>A, p.Met176Ile (NM_001407115.1); c.351G>A, p.Met117Ile (NM_001407116.1); c.345G>A, p.Met115Ile (NM_001407117.1); c.300G>A, p.Met100Ile (NM_001407118.1); and 2 more; short protein forms M100I, M102I, M115I, M117I, M136I, M176I, M83I, M99I.
Identifiers: ClinVar variation 3763993 (VCV003763993.3).

ClinVar aggregate classification (germline): Uncertain significance. Review status: criteria provided, multiple submitters, no conflicts (2 of 4 stars). 2 submissions from 2 submitters: Uncertain significance (2). Last evaluated 2026-07-02.

Conditions:
Hereditary cancer-predisposing syndrome. Also called: Tumor predisposition; Hereditary neoplastic syndrome; Hereditary Cancer Syndrome; Neoplastic Syndromes, Hereditary. Identifiers: Orphanet 140162, MedGen C0027672, MeSH D009386, MONDO:0015356.
Gastrointestinal stromal tumor. Also called: Gastrointestinal stromal tumor, somatic; Gastrointestinal stroma tumor. Identifiers: Orphanet 44890, MedGen C0238198, MeSH D046152, MONDO:0011719, OMIM 606764, HP:0100723.
Pheochromocytoma/paraganglioma syndrome 3. Also called: SDHC-Related Hereditary Paraganglioma-Pheochromocytoma Syndrome (Paragangliomas 3); SDHC-Related Hereditary Paraganglioma-Pheochromocytoma Syndrome; GLOMUS TUMORS, FAMILIAL, 3; Paragangliomas 3. Identifiers: Orphanet 29072, MedGen C1854336, MONDO:0011544, OMIM 605373.

Submissions (2):

Ambry Genetics
Classification: Uncertain significance for Hereditary cancer-predisposing syndrome. Last evaluated: 2026-07-02. Review status: criteria provided, single submitter. Criteria: Ambry Variant Classification Scheme 2023. Collection method: clinical testing. Allele origin: germline.
Comment: The p.M136I variant (also known as c.408G>A), located in coding exon 6 of the SDHC gene, results from a G to A substitution at nucleotide position 408. The methionine at codon 136 is replaced by isoleucine, an amino acid with highly similar properties. This amino acid position is conserved. In addition, this alteration is predicted to be tolerated by in silico analysis. Based on the available evidence, the clinical significance of this variant remains unclear.

Labcorp Genetics (formerly Invitae), Labcorp
Classification: Uncertain significance for Pheochromocytoma/paraganglioma syndrome 3; Gastrointestinal stromal tumor. Last evaluated: 2024-04-25. Review status: criteria provided, single submitter. Criteria: Invitae Variant Classification Sherloc (09022015). Collection method: clinical testing. Allele origin: germline.
Comment: This sequence change replaces methionine, which is neutral and non-polar, with isoleucine, which is neutral and non-polar, at codon 136 of the SDHC protein (p.Met136Ile). This variant is not present in population databases (gnomAD no frequency). This variant has not been reported in the literature in individuals affected with SDHC-related conditions. Algorithms developed to predict the effect of missense changes on protein structure and function output the following: SIFT: "Not Available"; PolyPhen-2: "Benign"; Align-GVGD: "Not Available". The isoleucine amino acid residue is found in multiple mammalian species, which suggests that this missense change does not adversely affect protein function. In summary, the available evidence is currently insufficient to determine the role of this variant in disease. Therefore, it has been classified as a Variant of Uncertain Significance.